The following is an entry in ClinVar:

ClinVar aggregate classification (germline): Uncertain significance (0 of 4 stars; one submission).

Conditions:
Thrombophilia due to protein S deficiency, autosomal dominant (THPH5). Identifiers: Orphanet 26349, Orphanet 743, MedGen C3278211, MONDO:0012868, OMIM 612336. Disease mechanism: loss of function.

Submission:

Department of Transfusion Medicine and Hemostaseology, University Hospital Erlangen
Classification: Uncertain significance for Thrombophilia due to protein S deficiency, autosomal dominant. Last evaluated: 2025-09-01. Review status: no assertion criteria provided. Collection method: clinical testing. Allele origin: germline.
Comment: This variant was identified during a screening of patients with suspected hereditary Protein S deficiency. Currently, no literature is available describing this variant and it is not listed in any public population database. Several in silico variant effect prediction tools (PolyPhen-2, SIFT, AlphaMissense) classify this variant as likely pathogenic. Taken together we classified this variant as of uncertain significance.

NM_000313.4(PROS1):c.754T>C (p.Cys252Arg)

Gene: PROS1 (protein S; minus strand). Cytogenetic location: 3q11.1.
Variant type: single nucleotide variant.
Coding change: c.754T>C on transcript NM_000313.4 (MANE Select); coding-DNA position 754, T replaced by C.
Protein change: p.Cys252Arg; replaces cysteine 252 with arginine.
Molecular consequence: missense variant.
Genome position (GRCh38, 1-based): chr3:93,898,543, A>G on the plus strand (T>C on the coding strand, the complement: PROS1 is on the minus strand). VCF-style: chr3-93898543-A-G. GRCh37 (hg19) VCF-style: chr3-93617387-A-G.
Other names: c.850T>C, p.Cys284Arg (NM_001314077.2); short protein forms C252R, C284R.
Identifiers: ClinVar variation 4529460 (VCV004529460.1).